The following is an entry in ClinVar:

NM_138694.4(PKHD1):c.3632G>A (p.Gly1211Glu)

Gene: PKHD1 (PKHD1 ciliary IPT domain containing fibrocystin/polyductin; minus strand). Cytogenetic location: 6p12.2.
Variant type: single nucleotide variant.
Coding change: c.3632G>A on transcript NM_138694.4 (MANE Select); coding-DNA position 3632, G replaced by A.
Protein change: p.Gly1211Glu; replaces glycine 1211 with glutamic acid.
Molecular consequence: missense variant.
Genome position (GRCh38, 1-based): chr6:52,026,178, C>T on the plus strand (G>A on the coding strand, the complement: PKHD1 is on the minus strand). VCF-style: chr6-52026178-C-T. GRCh37 (hg19) VCF-style: chr6-51890976-C-T.
Other names: c.3632G>A, p.Gly1211Glu (NM_170724.3); short protein forms G1211E.
Identifiers: ClinVar variation 5000000 (VCV005000000.1).

ClinVar aggregate classification (germline): Uncertain significance (1 of 4 stars; one submission).

Conditions:
PKHD1-related disorder. Also called: PKHD1-related condition.

gnomAD v4.1: 3 of 1,613,738 alleles (0.00019%); highest among the groups gnomAD compares: Non-Finnish European, 0.00025%; no homozygotes.

Submission:

PreventionGenetics, part of Exact Sciences
Classification: Uncertain significance for PKHD1-related condition. Last evaluated: 2025-04-03. Review status: criteria provided, single submitter. Criteria: ACMG Guidelines, 2015. Collection method: clinical testing. Allele origin: germline.
Comment: The PKHD1 c.3632G>A variant is predicted to result in the amino acid substitution p.Gly1211Glu. To our knowledge, this variant has not been reported in the literature or in a large population database (gnomAD), indicating this variant is rare. Although we suspect this variant could be pathogenic, at this time, the clinical significance of this variant is uncertain due to the absence of conclusive functional and genetic evidence.